The following is an entry in ClinVar:

NM_000282.4(PCCA):c.1057A>G (p.Arg353Gly)

Gene: PCCA (propionyl-CoA carboxylase subunit alpha; plus strand). Cytogenetic location: 13q32.3.
Variant type: single nucleotide variant.
Coding change: c.1057A>G on transcript NM_000282.4 (MANE Select); coding-DNA position 1057, A replaced by G.
Protein change: p.Arg353Gly; replaces arginine 353 with glycine.
Molecular consequence: missense variant. On other transcripts: non-coding transcript variant (5).
Genome position (GRCh38, 1-based): chr13:100,273,338, A>G. VCF-style: chr13-100273338-A-G. GRCh37 (hg19) VCF-style: chr13-100925592-A-G.
Other names: c.979A>G, p.Arg327Gly (NM_001127692.3, NM_001352607.2, NM_001352608.2); c.1057A>G, p.Arg353Gly (NM_001178004.2, NM_001352605.2, NM_001352606.2 and 1 more transcripts); c.112A>G, p.Arg38Gly (NM_001352610.2, NM_001352611.2, NM_001352612.2); short protein forms R327G, R38G, R353G.
Identifiers: ClinVar variation 4751956 (VCV004751956.1).

ClinVar aggregate classification (germline): Uncertain significance (1 of 4 stars; one submission).

Conditions:
Propionic acidemia (PROP). Also called: GLYCINEMIA, KETOTIC; HYPERGLYCINEMIA WITH KETOACIDOSIS AND LEUKOPENIA; KETOTIC HYPERGLYCINEMIA. Identifiers: Orphanet 35, MedGen C0268579, MONDO:0011628, OMIM 606054, HP:0003571.

gnomAD v4.1: 10 of 1,611,662 alleles (0.00062%); highest among the groups gnomAD compares: African/African-American, 0.0013%; no homozygotes.

Submission:

Labcorp Genetics (formerly Invitae), Labcorp
Classification: Uncertain significance for Propionic acidemia. Last evaluated: 2025-03-16. Review status: criteria provided, single submitter. Criteria: Invitae Variant Classification Sherloc (09022015). Collection method: clinical testing. Allele origin: germline.
Comment: This sequence change replaces arginine, which is basic and polar, with glycine, which is neutral and non-polar, at codon 353 of the PCCA protein (p.Arg353Gly). This variant is not present in population databases (gnomAD no frequency). This missense change has been observed in individual(s) with a positive newborn screening result for PCCA-related disease (internal data). Invitae Evidence Modeling of protein sequence and biophysical properties (such as structural, functional, and spatial information, amino acid conservation, physicochemical variation, residue mobility, and thermodynamic stability) indicates that this missense variant is expected to disrupt PCCA protein function with a positive predictive value of 80%. In summary, the available evidence is currently insufficient to determine the role of this variant in disease. Therefore, it has been classified as a Variant of Uncertain Significance.